The following is an entry in ClinVar:

NM_000051.4(ATM):c.1802G>C (p.Ser601Thr)

Gene: ATM (ATM serine/threonine kinase; plus strand). Cytogenetic location: 11q22.3.
Variant type: single nucleotide variant.
Coding change: c.1802G>C on transcript NM_000051.4 (MANE Select); coding-DNA position 1802, G replaced by C.
Protein change: p.Ser601Thr; replaces serine 601 with threonine.
Molecular consequence: missense variant.
Genome position (GRCh38, 1-based): chr11:108,252,031, G>C. VCF-style: chr11-108252031-G-C. GRCh37 (hg19) VCF-style: chr11-108122758-G-C.
Other names: c.1802G>C, p.Ser601Thr (NM_001351834.2); short protein forms S601T.
Identifiers: ClinVar variation 1319596 (VCV001319596.11), dbSNP rs763402339, ClinGen allele CA382535601.

ClinVar aggregate classification (germline): Uncertain significance. Review status: criteria provided, multiple submitters, no conflicts (2 of 4 stars). 3 submissions from 3 submitters: Uncertain significance (3). Last evaluated 2024-09-18.

Conditions:
Hereditary cancer-predisposing syndrome. Also called: Neoplastic Syndromes, Hereditary; Hereditary Cancer Syndrome; Tumor predisposition; Hereditary neoplastic syndrome. Identifiers: Orphanet 140162, MedGen C0027672, MeSH D009386, MONDO:0015356.
Ataxia-telangiectasia syndrome (AT). Also called: Ataxia telangiectasia (A-T); LOUIS-BAR SYNDROME; AT, COMPLEMENTATION GROUP C; ATAXIA-TELANGIECTASIA, COMPLEMENTATION GROUP A; ATAXIA-TELANGIECTASIA, FRESNO VARIANT; Ataxia-telangiectasia. Identifiers: Orphanet 100, MedGen C0004135, MONDO:0008840, OMIM 208900.

Allele frequency attached by ClinVar (database versions not stated): gnomAD exomes below 0.00001.
gnomAD v4.1: 2 of 1,610,806 alleles (0.00012%); highest among the groups gnomAD compares: Non-Finnish European, 0.00017%; no homozygotes.

Submissions (3):

Labcorp Genetics (formerly Invitae), Labcorp
Classification: Uncertain significance for Ataxia-telangiectasia syndrome. Last evaluated: 2024-09-18. Review status: criteria provided, single submitter. Criteria: Invitae Variant Classification Sherloc (09022015). Collection method: clinical testing. Allele origin: germline.
Comment: This sequence change replaces serine, which is neutral and polar, with threonine, which is neutral and polar, at codon 601 of the ATM protein (p.Ser601Thr). This variant also falls at the last nucleotide of exon 11, which is part of the consensus splice site for this exon. This variant is present in population databases (no rsID available, gnomAD 0.0009%). This variant has not been reported in the literature in individuals affected with ATM-related conditions. ClinVar contains an entry for this variant (Variation ID: 1319596). An algorithm developed to predict the effect of missense changes on protein structure and function (PolyPhen-2) suggests that this variant is likely to be tolerated. Variants that disrupt the consensus splice site are a relatively common cause of aberrant splicing (PMID: 17576681, 9536098). Algorithms developed to predict the effect of sequence changes on RNA splicing suggest that this variant may disrupt the consensus splice site. In summary, the available evidence is currently insufficient to determine the role of this variant in disease. Therefore, it has been classified as a Variant of Uncertain Significance.

Institute for Clinical Genetics, University Hospital TU Dresden, University Hospital TU Dresden
Classification: Uncertain significance. Last evaluated: 2021-11-03. Review status: criteria provided, single submitter. Criteria: ACMG Guidelines, 2015. Collection method: clinical testing. Allele origin: germline.

Sema4
Classification: Uncertain significance for Hereditary cancer-predisposing syndrome. Last evaluated: 2021-09-12. Review status: criteria provided, single submitter. Criteria: Sema4 Curation Guidelines. Collection method: curation. Allele origin: germline.
Comment: To the best of our knowledge, the ATM c.1802G>C (p.S601T) variant has not been reported in individuals with ATM-related disease. It was observed in 1/112620 chromosomes of the Non-Finnish European subpopulation in the large and broad cohorts of the Genome Aggregation Database (PMID: 32461654). The variant has not been reported in ClinVar. In silico tools suggest that this variant, located in the last nucleotide of the exon, will have a deleterious effect on splicing, though these predictions have not been confirmed by functional studies. The evidence is insufficient to meet ACMG/AMP criteria for classifying the variant as benign or pathogenic. Thus, the clinical significance of this variant is currently uncertain.

Literature cited by the submitters: PubMed 17576681 (cited by Labcorp Genetics (formerly Invitae), Labcorp); PubMed 9536098 (cited by Labcorp Genetics (formerly Invitae), Labcorp).